The following is an entry in ClinVar:

NM_005591.4(MRE11):c.1234A>G (p.Ile412Val)

Gene: MRE11 (MRE11 double strand break repair nuclease; minus strand). Cytogenetic location: 11q21.
Variant type: single nucleotide variant.
Coding change: c.1234A>G on transcript NM_005591.4 (MANE Select); coding-DNA position 1234, A replaced by G.
Protein change: p.Ile412Val; replaces isoleucine 412 with valine.
Molecular consequence: missense variant.
Genome position (GRCh38, 1-based): chr11:94,461,028, T>C on the plus strand (A>G on the coding strand, the complement: MRE11 is on the minus strand). VCF-style: chr11-94461028-T-C. GRCh37 (hg19) VCF-style: chr11-94194194-T-C.
Other names: c.1234A>G, p.Ile412Val (NM_001330347.2, NM_005590.4); short protein forms I412V.
Identifiers: ClinVar variation 3224820 (VCV003224820.2), dbSNP rs2496400697, ClinGen allele CA382372467.

ClinVar aggregate classification (germline): Uncertain significance. Review status: criteria provided, multiple submitters, no conflicts (2 of 4 stars). 2 submissions from 2 submitters: Uncertain significance (2). Last evaluated 2024-03-28.

Conditions:
Hereditary cancer-predisposing syndrome. Also called: Tumor predisposition; Hereditary neoplastic syndrome; Hereditary Cancer Syndrome; Neoplastic Syndromes, Hereditary. Identifiers: Orphanet 140162, MedGen C0027672, MeSH D009386, MONDO:0015356.

Submissions (2):

Quest Diagnostics Nichols Institute San Juan Capistrano
Classification: Uncertain significance. Last evaluated: 2024-03-28. Review status: criteria provided, single submitter. Criteria: Quest Diagnostics criteria. Collection method: clinical testing. Allele origin: unknown.

Ambry Genetics
Classification: Uncertain significance for Hereditary cancer-predisposing syndrome. Last evaluated: 2024-02-20. Review status: criteria provided, single submitter. Criteria: Ambry Variant Classification Scheme 2023. Collection method: clinical testing. Allele origin: germline.
Comment: The p.I412V variant (also known as c.1234A>G), located in coding exon 11 of the MRE11A gene, results from an A to G substitution at nucleotide position 1234. The isoleucine at codon 412 is replaced by valine, an amino acid with highly similar properties. This amino acid position is conserved. In addition, this alteration is predicted to be tolerated by in silico analysis. Based on the available evidence, the clinical significance of this alteration remains unclear.